The following is an entry in ClinVar:

NM_030665.4(RAI1):c.3398C>G (p.Ser1133Ter)

Gene: RAI1 (retinoic acid induced 1; plus strand). Cytogenetic location: 17p11.2.
Variant type: single nucleotide variant.
Coding change: c.3398C>G on transcript NM_030665.4 (MANE Select); coding-DNA position 3398, C replaced by G.
Protein change: p.Ser1133Ter; replaces serine 1133 with a stop codon.
Molecular consequence: nonsense.
Genome position (GRCh38, 1-based): chr17:17,796,346, C>G. VCF-style: chr17-17796346-C-G. GRCh37 (hg19) VCF-style: chr17-17699660-C-G.
Other names: short protein forms S1133*.
Identifiers: ClinVar variation 452595 (VCV000452595.2), dbSNP rs750335388, ClinGen allele CA398553593.

ClinVar aggregate classification (germline): Pathogenic (1 of 4 stars; one submission).

Submission:

GeneDx
Classification: Pathogenic. Last evaluated: 2017-10-05. Review status: criteria provided, single submitter. Criteria: GeneDx Variant Classification (06012015). Collection method: clinical testing. Allele origin: germline. Affected: yes.
Comment: The S1133X variant in the RAI1 gene has not been reported previously as a pathogenic variant nor as a benign variant, to our knowledge. This variant is predicted to cause loss of normal protein function either through protein truncation or nonsense-mediated mRNA decay. The S1133X variant is not observed in large population cohorts (Lek et al., 2016).